The following is an entry in ClinVar:

NM_144573.4(NEXN):c.47A>C (p.Lys16Thr)

Gene: NEXN (nexilin F-actin binding protein; plus strand). Cytogenetic location: 1p31.1.
Variant type: single nucleotide variant.
Coding change: c.47A>C on transcript NM_144573.4 (MANE Select); coding-DNA position 47, A replaced by C.
Protein change: p.Lys16Thr; replaces lysine 16 with threonine.
Molecular consequence: missense variant. On other transcripts: intron variant (1).
Genome position (GRCh38, 1-based): chr1:77,917,585, A>C. VCF-style: chr1-77917585-A-C. GRCh37 (hg19) VCF-style: chr1-78383270-A-C.
Other names: c.28-375A>C (NM_001172309.2); short protein forms K16T.
Identifiers: ClinVar variation 1912904 (VCV001912904.5), dbSNP rs2526781168, ClinGen allele CA340884969.

ClinVar aggregate classification (germline): Uncertain significance (1 of 4 stars; one submission).

Conditions:
Dilated cardiomyopathy 1CC (CMD1CC). Identifiers: Orphanet 154, MedGen C2751084, MONDO:0013147, OMIM 613122.
Hypertrophic cardiomyopathy 20. Identifiers: MedGen C3151267, MONDO:0013477, OMIM 613876.

Allele frequency attached by ClinVar (database versions not stated): gnomAD exomes below 0.00001.
gnomAD v4.1: 5 of 1,613,102 alleles (0.00031%); highest among the groups gnomAD compares: Admixed American, 0.005%; no homozygotes.

Submission:

Labcorp Genetics (formerly Invitae), Labcorp
Classification: Uncertain significance for Dilated cardiomyopathy 1CC; Hypertrophic cardiomyopathy 20. Last evaluated: 2022-08-22. Review status: criteria provided, single submitter. Criteria: Invitae Variant Classification Sherloc (09022015). Collection method: clinical testing. Allele origin: germline.
Comment: In summary, the available evidence is currently insufficient to determine the role of this variant in disease. Therefore, it has been classified as a Variant of Uncertain Significance. Algorithms developed to predict the effect of missense changes on protein structure and function are either unavailable or do not agree on the potential impact of this missense change (SIFT: "Deleterious"; PolyPhen-2: "Probably Damaging"; Align-GVGD: "Class C0"). This variant has not been reported in the literature in individuals affected with NEXN-related conditions. This variant is not present in population databases (gnomAD no frequency). This sequence change replaces lysine, which is basic and polar, with threonine, which is neutral and polar, at codon 16 of the NEXN protein (p.Lys16Thr).